The following is an entry in ClinVar:

ClinVar aggregate classification (germline): Likely benign. Review status: criteria provided, multiple submitters, no conflicts (2 of 4 stars). 5 submissions from 5 submitters: Likely benign (5). Last evaluated 2026-01-31.

Conditions:
POLD1-related polyposis and colorectal cancer syndrome (CRCS10). Also called: Colorectal cancer, susceptibility to, 10; Colorectal cancer 10; COLORECTAL CANCER, SUSCEPTIBILITY TO, ON CHROMOSOME 19q. Identifiers: Orphanet 220460, MedGen C2675481, MONDO:0012953, OMIM 612591.

Allele frequency attached by ClinVar (database versions not stated): ExAC 0.00001; TOPMed 0.00004.
gnomAD v4.1: 26 of 1,589,458 alleles (0.0016%); highest among the groups gnomAD compares: Admixed American, 0.0035%; no homozygotes.

Submissions (5):

Labcorp Genetics (formerly Invitae), Labcorp
Classification: Likely benign for POLD1-related polyposis and colorectal cancer syndrome. Last evaluated: 2026-01-31. Review status: criteria provided, single submitter. Criteria: Invitae Variant Classification Sherloc (09022015). Collection method: clinical testing. Allele origin: germline.

Center for Genomic Medicine, Rigshospitalet, Copenhagen University Hospital
Classification: Likely benign. Last evaluated: 2025-03-04. Review status: criteria provided, single submitter. Criteria: ACMG Guidelines, 2015. Collection method: clinical testing. Allele origin: germline.

KCCC/NGS Laboratory, Kuwait Cancer Control Center
Classification: Likely benign for POLD1-related polyposis and colorectal cancer syndrome. Last evaluated: 2023-07-07. Review status: criteria provided, single submitter. Criteria: ACMG Guidelines, 2015. Collection method: clinical testing. Allele origin: germline. Affected: yes.

Blueprint Genetics
Classification: Likely benign. Last evaluated: 2022-03-30. Review status: criteria provided, single submitter. Criteria: ACMG Guidelines, 2015. Collection method: clinical testing. Allele origin: germline.

GeneDx
Classification: Likely benign. Last evaluated: 2016-10-06. Review status: criteria provided, single submitter. Criteria: GeneDx Variant Classification (06012015). Collection method: clinical testing. Allele origin: germline. Affected: yes.
Comment: This variant is considered likely benign or benign based on one or more of the following criteria: it is a conservative change, it occurs at a poorly conserved position in the protein, it is predicted to be benign by multiple in silico algorithms, and/or has population frequency not consistent with disease.

NM_002691.4(POLD1):c.2250+18G>A

Gene: POLD1 (DNA polymerase delta 1, catalytic subunit; plus strand). Cytogenetic location: 19q13.33.
Variant type: single nucleotide variant.
Coding change: c.2250+18G>A on transcript NM_002691.4 (MANE Select); 18 bases into the intron after coding-DNA position 2250, G replaced by A.
Molecular consequence: intron variant.
Genome position (GRCh38, 1-based): chr19:50,413,539, G>A. VCF-style: chr19-50413539-G-A. GRCh37 (hg19) VCF-style: chr19-50916796-G-A.
Other names: c.2328+18G>A (LRG_785t2, NM_001308632.1); c.2250+18G>A (LRG_785t1, NM_001256849.1).
Identifiers: ClinVar variation 389915 (VCV000389915.16), dbSNP rs761696044, ClinGen allele CA9596453.